The following is an entry in ClinVar:

NM_001024630.4(RUNX2):c.1369C>T (p.Pro457Ser)

Gene: RUNX2 (RUNX family transcription factor 2; plus strand). Cytogenetic location: 6p21.1.
Variant type: single nucleotide variant.
Coding change: c.1369C>T on transcript NM_001024630.4 (MANE Select); coding-DNA position 1369, C replaced by T.
Protein change: p.Pro457Ser; replaces proline 457 with serine.
Molecular consequence: missense variant.
Genome position (GRCh38, 1-based): chr6:45,547,108, C>T. VCF-style: chr6-45547108-C-T. GRCh37 (hg19) VCF-style: chr6-45514845-C-T.
Other names: c.1303C>T, p.Pro435Ser (NM_001015051.4); c.1261C>T, p.Pro421Ser (NM_001278478.2); c.1327C>T, p.Pro443Ser (NM_001369405.1); short protein forms P435S, P457S, P421S, P443S.
Identifiers: ClinVar variation 3678422 (VCV003678422.3).

ClinVar aggregate classification (germline): Uncertain significance. Review status: criteria provided, multiple submitters, no conflicts (2 of 4 stars). 2 submissions from 2 submitters: Uncertain significance (2). Last evaluated 2025-06-16.

Conditions:
Metaphyseal dysplasia-maxillary hypoplasia-brachydacty syndrome. Also called: Metaphyseal dysplasia with maxillary hypoplasia and brachydactyly; METAPHYSEAL DYSPLASIA AND MAXILLARY HYPOPLASIA WITH OR WITHOUT BRACHYDACTYLY; Metaphyseal dysplasia with maxillary hypoplasia with or without brachydactyly. Identifiers: Orphanet 2504, MedGen C3549874, MONDO:0007984, OMIM 156510.

gnomAD v4.1: 10 of 1,614,154 alleles (0.00062%); highest among the groups gnomAD compares: Non-Finnish European, 0.00085%; no homozygotes.

Submissions (2):

Labcorp Genetics (formerly Invitae), Labcorp
Classification: Uncertain significance. Last evaluated: 2025-06-16. Review status: criteria provided, single submitter. Criteria: Invitae Variant Classification Sherloc (09022015). Collection method: clinical testing. Allele origin: germline.
Comment: This sequence change replaces proline, which is neutral and non-polar, with serine, which is neutral and polar, at codon 457 of the RUNX2 protein (p.Pro457Ser). This variant is present in population databases (rs746700872, gnomAD 0.0009%). This variant has not been reported in the literature in individuals affected with RUNX2-related conditions. ClinVar contains an entry for this variant (Variation ID: 3678422). Invitae Evidence Modeling of protein sequence and biophysical properties (such as structural, functional, and spatial information, amino acid conservation, physicochemical variation, residue mobility, and thermodynamic stability) indicates that this missense variant is not expected to disrupt RUNX2 protein function with a negative predictive value of 80%. In summary, the available evidence is currently insufficient to determine the role of this variant in disease. Therefore, it has been classified as a Variant of Uncertain Significance.

Department of Pathology and Laboratory Medicine, Sinai Health System
Classification: Uncertain significance for Metaphyseal dysplasia-maxillary hypoplasia-brachydacty syndrome. Last evaluated: 2023-02-27. Review status: criteria provided, single submitter. Criteria: ACMG Guidelines, 2015. Collection method: research. Allele origin: germline.